The following is an entry in ClinVar:

NM_000051.4(ATM):c.8268+3_8268+4dup

Genes: C11orf65 (chromosome 11 open reading frame 65; minus strand), ATM (ATM serine/threonine kinase; plus strand). Cytogenetic location: 11q22.3.
Variant type: Duplication.
Coding change: c.8268+3_8268+4dup on transcript NM_000051.4 (MANE Select); bases 3 to 4 of the intron after coding-DNA position 8268, 2 bases duplicated (AA; older notation c.8268+3_8268+4dupAA).
Molecular consequence: intron variant.
Genome position (GRCh38, 1-based): chr11:108,335,964-108,335,965, AA duplicated. VCF-style (leftmost placement, unchanged base first): chr11-108335963-T-TAA. GRCh37 (hg19) VCF-style: chr11-108206690-T-TAA.
Other names: c.8268+3_8268+4dup (NM_001351834.2); c.641-26894_641-26893dup (NM_001330368.2); c.695-673_695-672dup (NM_001351110.2).
Identifiers: ClinVar variation 1332547 (VCV001332547.4), dbSNP rs2136701172, ClinGen allele CA2573053417.
Genomic context (GRCh38, chr11:108,335,963, plus strand): 5'-CATTACTGCAGAGAAACACGGAAACTAGGAAGAGGAAATTAACTATCTGTACTTATAAGG[T>TAA]AACTATTTGTACTTCTGTTAGTTCACCAAAAACATATAAAAGATGCCATTTGGTTGGGTG-3'

ClinVar aggregate classification (germline): Uncertain significance (1 of 4 stars; one submission).

Conditions:
Hereditary cancer-predisposing syndrome. Also called: Tumor predisposition; Neoplastic Syndromes, Hereditary; Hereditary Cancer Syndrome; Hereditary neoplastic syndrome. Identifiers: Orphanet 140162, MedGen C0027672, MeSH D009386, MONDO:0015356.

Submission:

Color Diagnostics, LLC DBA Color Health
Classification: Uncertain significance for Hereditary cancer-predisposing syndrome. Last evaluated: 2021-04-15. Review status: criteria provided, single submitter. Criteria: ACMG Guidelines, 2015. Collection method: clinical testing. Allele origin: germline.
Comment: This variant inserts 2 nucleotides in intron 56 of the ATM gene. Splice site prediction tools are inconclusive regarding the impact of this variant on RNA splicing. To our knowledge, this variant has not been reported in individuals affected with hereditary cancer in the literature. This variant has not been identified in the general population by the Genome Aggregation Database (gnomAD). The available evidence is insufficient to determine the role of this variant in disease conclusively. Therefore, this variant is classified as a Variant of Uncertain Significance.